The following is an entry in ClinVar:

ClinVar aggregate classification (germline): Pathogenic/Likely pathogenic. Review status: criteria provided, multiple submitters, no conflicts (2 of 4 stars). 4 submissions from 4 submitters: Pathogenic (1); Likely pathogenic (3). Last evaluated 2026-05-29.

Conditions:
AMHR2-related disorder. Also called: AMHR2-related condition.
Persistent Mullerian duct syndrome (PMDS). Also called: PERSISTENT MULLERIAN DUCT SYNDROME, TYPES I AND II; FEMALE GENITAL DUCTS IN OTHERWISE NORMAL MALE; HERNIA UTERI INGUINALE; PERSISTENT OVIDUCT SYNDROME; PSEUDOHERMAPHRODITISM, MALE INTERNAL. Identifiers: Orphanet 2856, MedGen C1849930, MONDO:0009857, OMIM 261550.

Allele frequency attached by ClinVar (database versions not stated): gnomAD exomes 0.00001 and 0.00004; gnomAD 0.00002 and 0.00003; TOPMed 0.00005; ExAC 0.00008; ESP Exome Variant Server 0.00008.
gnomAD v4.1: 22 of 1,614,052 alleles (0.0014%); highest among the groups gnomAD compares: Admixed American, 0.015%; no homozygotes.

Submissions (4):

PreventionGenetics, part of Exact Sciences
Classification: Likely pathogenic for AMHR2-related condition. Last evaluated: 2026-05-29. Review status: criteria provided, single submitter. Criteria: ACMG Guidelines, 2015. Collection method: clinical testing. Allele origin: germline.
Comment: The AMHR2 c.1387C>T variant is predicted to result in the amino acid substitution p.Arg463Cys. This variant has been reported in the compound heterozygous state with an AMHR2 frameshift variant in two siblings with persistent Müllerian duct syndrome (PMDS) (Fang et al 2021. PubMed ID: 34480531). In addition, a different substitution affecting the same amino acid (p.Arg463His) has also been reported in individuals with PMDS (Ren et al. 2017. PubMed ID: 29285121; Globa et al. 2021. PubMed ID: 33691324). This variant is reported in 0.023% of alleles in individuals of Latino descent in gnomAD. This variant is interpreted as likely pathogenic.

Women's Health and Genetics/Laboratory Corporation of America, LabCorp
Classification: Likely pathogenic for Persistent Mullerian duct syndrome. Last evaluated: 2026-01-13. Review status: criteria provided, single submitter. Criteria: LabCorp Variant Classification Summary - May 2015. Collection method: clinical testing. Allele origin: germline.
Comment: Variant summary: AMHR2 c.1387C>T (p.Arg463Cys) results in a non-conservative amino acid change in the encoded protein sequence. Algorithms developed to predict the effect of missense changes on protein structure and function all suggest that this variant is likely to be disruptive. The variant allele was found at a frequency of 3.6e-05 in 251490 control chromosomes. c.1387C>T has been observed in two individuals from one family affected with clinical features of Persistent Mullerian duct syndrome (Fang_2021). These data indicate that the variant may be associated with disease. To our knowledge, no experimental evidence demonstrating an impact on protein function has been reported. The following publication have been ascertained in the context of this evaluation (PMID: 34480531). ClinVar contains an entry for this variant (Variation ID: 372896). Based on the evidence outlined above, the variant was classified as likely pathogenic.

GeneDx
Classification: Likely pathogenic. Last evaluated: 2025-07-30. Review status: criteria provided, single submitter. Criteria: GeneDx Variant Classification Process June 2021. Collection method: clinical testing. Allele origin: germline. Affected: yes.
Comment: In silico analysis supports that this missense variant has a deleterious effect on protein structure/function, but is inconclusive as to whether the variant alters gene splicing; in the absence of RNA/functional studies, the actual effect of this sequence change is unknown; This variant is associated with the following publications: (PMID: 34480531)

Labcorp Genetics (formerly Invitae), Labcorp
Classification: Pathogenic. Last evaluated: 2025-03-11. Review status: criteria provided, single submitter. Criteria: Invitae Variant Classification Sherloc (09022015). Collection method: clinical testing. Allele origin: germline.
Comment: This sequence change replaces arginine, which is basic and polar, with cysteine, which is neutral and slightly polar, at codon 463 of the AMHR2 protein (p.Arg463Cys). This variant is present in population databases (rs374247138, gnomAD 0.02%). This missense change has been observed in individual(s) with clinical features of persistent mullerian duct syndrome (PMID: 34480531). In at least one individual the data is consistent with being in trans (on the opposite chromosome) from a pathogenic variant. It has also been observed to segregate with disease in related individuals. ClinVar contains an entry for this variant (Variation ID: 372896). Invitae Evidence Modeling of protein sequence and biophysical properties (such as structural, functional, and spatial information, amino acid conservation, physicochemical variation, residue mobility, and thermodynamic stability) indicates that this missense variant is expected to disrupt AMHR2 protein function with a positive predictive value of 95%. Algorithms developed to predict the effect of sequence changes on RNA splicing suggest that this variant may disrupt the consensus splice site. For these reasons, this variant has been classified as Pathogenic.

Literature cited by the submitters: PubMed 34480531 (cited by Women's Health and Genetics/Laboratory Corporation of America, LabCorp and Labcorp Genetics (formerly Invitae), Labcorp).

NM_020547.3(AMHR2):c.1387C>T (p.Arg463Cys)

Gene: AMHR2 (anti-Mullerian hormone receptor type 2; plus strand). Cytogenetic location: 12q13.13.
Variant type: single nucleotide variant.
Coding change: c.1387C>T on transcript NM_020547.3 (MANE Select); coding-DNA position 1387, C replaced by T.
Protein change: p.Arg463Cys; replaces arginine 463 with cysteine.
Molecular consequence: missense variant. On other transcripts: synonymous variant (1), intron variant (1).
Genome position (GRCh38, 1-based): chr12:53,430,244, C>T. VCF-style: chr12-53430244-C-T. GRCh37 (hg19) VCF-style: chr12-53824028-C-T.
Other names: c.1383C>T, p.Gly461= (NM_001164690.2); c.1140+619C>T (NM_001164691.2); short protein forms R463C.
Identifiers: ClinVar variation 372896 (VCV000372896.7), dbSNP rs374247138, ClinGen allele CA6600597.